The following is an entry in ClinVar:

NM_002335.4(LRP5):c.1079C>T (p.Pro360Leu)

Gene: LRP5 (LDL receptor related protein 5; plus strand). Cytogenetic location: 11q13.2.
Variant type: single nucleotide variant.
Coding change: c.1079C>T on transcript NM_002335.4 (MANE Select); coding-DNA position 1079, C replaced by T.
Protein change: p.Pro360Leu; replaces proline 360 with leucine.
Molecular consequence: missense variant. On other transcripts: 5 prime UTR variant (1).
Genome position (GRCh38, 1-based): chr11:68,386,379, C>T. VCF-style: chr11-68386379-C-T. GRCh37 (hg19) VCF-style: chr11-68153847-C-T.
Other names: c.-687C>T (NM_001291902.2); c.1079C>T (NM_002335.3); short protein forms P360L.
Identifiers: ClinVar variation 1060877 (VCV001060877.11), dbSNP rs748782653, ClinGen allele CA6149240.

ClinVar aggregate classification (germline): Uncertain significance. Review status: criteria provided, multiple submitters, no conflicts (2 of 4 stars). 3 submissions from 3 submitters: Uncertain significance (3). Last evaluated 2025-12-16.

Conditions:
LRP5-related disorder. Also called: LRP5-related condition.

Allele frequency attached by ClinVar (database versions not stated): gnomAD 0.00001 and 0.00002; gnomAD exomes 0.00001; ExAC 0.00002; TOPMed 0.00002.
gnomAD v4.1: 13 of 1,613,598 alleles (0.00081%); highest among the groups gnomAD compares: South Asian, 0.0044%; no homozygotes.

Submissions (3):

Labcorp Genetics (formerly Invitae), Labcorp
Classification: Uncertain significance. Last evaluated: 2025-12-16. Review status: criteria provided, single submitter. Criteria: Invitae Variant Classification Sherloc (09022015). Collection method: clinical testing. Allele origin: germline.
Comment: This sequence change replaces proline, which is neutral and non-polar, with leucine, which is neutral and non-polar, at codon 360 of the LRP5 protein (p.Pro360Leu). This variant is present in population databases (rs748782653, gnomAD 0.003%). This variant has not been reported in the literature in individuals affected with LRP5-related conditions. ClinVar contains an entry for this variant (Variation ID: 1060877). Invitae Evidence Modeling of protein sequence and biophysical properties (such as structural, functional, and spatial information, amino acid conservation, physicochemical variation, residue mobility, and thermodynamic stability) has been performed for this missense variant. However, the output from this modeling did not meet the statistical confidence thresholds required to predict the impact of this variant on LRP5 protein function. In summary, the available evidence is currently insufficient to determine the role of this variant in disease. Therefore, it has been classified as a Variant of Uncertain Significance.

PreventionGenetics, part of Exact Sciences
Classification: Uncertain significance for LRP5-related condition. Last evaluated: 2025-10-29. Review status: criteria provided, single submitter. Criteria: ACMG Guidelines, 2015. Collection method: clinical testing. Allele origin: germline.
Comment: The LRP5 c.1079C>T variant is predicted to result in the amino acid substitution p.Pro360Leu. To our knowledge, this variant has not been reported in the literature. This variant is reported in 0.0033% of alleles in individuals of South Asian descent in gnomAD. At this time, the clinical significance of this variant is uncertain due to the absence of conclusive functional and genetic evidence.

Blueprint Genetics
Classification: Uncertain significance. Last evaluated: 2024-09-11. Review status: criteria provided, single submitter. Criteria: ACMG Guidelines, 2015. Collection method: clinical testing. Allele origin: germline.